The following is an entry in ClinVar:

NM_001166108.2(PALLD):c.2132G>A (p.Arg711Gln)

Genes: CBR4 (carbonyl reductase 4; minus strand), PALLD (palladin, cytoskeletal associated protein; plus strand). Cytogenetic location: 4q32.3.
Variant type: single nucleotide variant.
Coding change: c.2132G>A on transcript NM_001166108.2 (MANE Select); coding-DNA position 2132, G replaced by A.
Protein change: p.Arg711Gln; replaces arginine 711 with glutamine.
Molecular consequence: missense variant.
Genome position (GRCh38, 1-based): chr4:168,894,610, G>A. VCF-style: chr4-168894610-G-A. GRCh37 (hg19) VCF-style: chr4-169815761-G-A.
Other names: c.986G>A, p.Arg329Gln (NM_001166109.2); c.671G>A, p.Arg224Gln (NM_001166110.2); c.11G>A, p.Arg4Gln (NM_001367567.1, NM_001367568.1, NM_001367569.1 and 1 more transcripts); c.2132G>A, p.Arg711Gln (NM_016081.4); short protein forms R224Q, R329Q, R711Q, R4Q.
Identifiers: ClinVar variation 1786431 (VCV001786431.2), dbSNP rs4293759, ClinGen allele CA110517641.
Genomic context (GRCh38, chr4:168,894,610, plus strand): 5'-TTGTATTTTTTGTGACTTACGTTGTTTAGAGGTTAACATACGAAGAAAGAATGGCTCGTC[G>A]ACTGCTAGGTGCTGACAGTGCAACTGTCTTTAATATTCAGGAGCCAGAAGAGGAAACAGC-3'
Protein context (NP_001159580.1, residues 701-721): RLTYEERMAR[Arg711Gln]LLGADSATVF

ClinVar aggregate classification (germline): Uncertain significance (1 of 4 stars; one submission).

Allele frequency attached by ClinVar (database versions not stated): gnomAD exomes below 0.00001; TOPMed below 0.00001; gnomAD 0.00001.
gnomAD v4.1: 8 of 1,613,224 alleles (0.0005%); highest among the groups gnomAD compares: South Asian, 0.0033%; no homozygotes.

Submission:

Ambry Genetics
Classification: Uncertain significance. Last evaluated: 2024-03-02. Review status: criteria provided, single submitter. Criteria: Ambry Variant Classification Scheme 2023. Collection method: clinical testing. Allele origin: germline.
Comment: The p.R711Q variant (also known as c.2132G>A), located in coding exon 11 of the PALLD gene, results from a G to A substitution at nucleotide position 2132. The arginine at codon 711 is replaced by glutamine, an amino acid with highly similar properties. This amino acid position is conserved. In addition, the in silico prediction for this alteration is inconclusive. Since supporting evidence is limited at this time, the clinical significance of this alteration remains unclear.